The following is an entry in ClinVar:

ClinVar aggregate classification (germline): Uncertain significance (1 of 4 stars; one submission).

Allele frequency attached by ClinVar (database versions not stated): gnomAD 0.00001; TOPMed 0.00002.
gnomAD v4.1: 14 of 1,248,544 alleles (0.0011%); highest among the groups gnomAD compares: South Asian, 0.003%; no homozygotes.

Submission:

Labcorp Genetics (formerly Invitae), Labcorp
Classification: Uncertain significance. Last evaluated: 2026-02-01. Review status: criteria provided, single submitter. Criteria: Invitae Variant Classification Sherloc (09022015). Collection method: clinical testing. Allele origin: germline.
Comment: This sequence change replaces alanine, which is neutral and non-polar, with valine, which is neutral and non-polar, at codon 193 of the ALPK3 protein (p.Ala193Val). This variant is not present in population databases (gnomAD no frequency). This variant has not been reported in the literature in individuals affected with ALPK3-related conditions. ClinVar contains an entry for this variant (Variation ID: 1381649). An algorithm developed to predict the effect of missense changes on protein structure and function (PolyPhen-2) suggests that this variant is likely to be tolerated. In summary, the available evidence is currently insufficient to determine the role of this variant in disease. Therefore, it has been classified as a Variant of Uncertain Significance.

NM_020778.5(ALPK3):c.-29C>T

Gene: ALPK3 (alpha kinase 3; plus strand). Cytogenetic location: 15q25.3.
Variant type: single nucleotide variant.
Coding change: c.-29C>T on transcript NM_020778.5 (MANE Select); 29 bases upstream of the start codon, C replaced by T.
Molecular consequence: 5 prime UTR variant.
Genome position (GRCh38, 1-based): chr15:84,817,424, C>T. VCF-style: chr15-84817424-C-T. GRCh37 (hg19) VCF-style: chr15-85360655-C-T.
Identifiers: ClinVar variation 1381649 (VCV001381649.8), dbSNP rs1396554659, ClinGen allele CA393369202.